The following is an entry in ClinVar:

ClinVar aggregate classification (germline): Uncertain significance (1 of 4 stars; one submission).

Submission:

Labcorp Genetics (formerly Invitae), Labcorp
Classification: Uncertain significance. Last evaluated: 2022-07-06. Review status: criteria provided, single submitter. Criteria: Invitae Variant Classification Sherloc (09022015). Collection method: clinical testing. Allele origin: germline.
Comment: In summary, the available evidence is currently insufficient to determine the role of this variant in disease. Therefore, it has been classified as a Variant of Uncertain Significance. Algorithms developed to predict the effect of missense changes on protein structure and function (SIFT, PolyPhen-2, Align-GVGD) all suggest that this variant is likely to be tolerated. This variant has not been reported in the literature in individuals affected with GLIS3-related conditions. The frequency data for this variant in the population databases is considered unreliable, as metrics indicate poor data quality at this position in the gnomAD database. This sequence change replaces proline, which is neutral and non-polar, with leucine, which is neutral and non-polar, at codon 209 of the GLIS3 protein (p.Pro209Leu).

NM_001042413.2(GLIS3):c.1091C>T (p.Pro364Leu)

Gene: GLIS3 (GLIS family zinc finger 3; minus strand). Cytogenetic location: 9p24.2.
Variant type: single nucleotide variant.
Coding change: c.1091C>T on transcript NM_001042413.2 (MANE Select); coding-DNA position 1091, C replaced by T.
Protein change: p.Pro364Leu; replaces proline 364 with leucine.
Molecular consequence: missense variant.
Genome position (GRCh38, 1-based): chr9:4,118,387, G>A on the plus strand (C>T on the coding strand, the complement: GLIS3 is on the minus strand). VCF-style: chr9-4118387-G-A. GRCh37 (hg19) VCF-style: chr9-4118387-G-A.
Other names: c.626C>T, p.Pro209Leu (NM_152629.4); short protein forms P364L, P209L.
Identifiers: ClinVar variation 1961540 (VCV001961540.3), dbSNP rs772125440, ClinGen allele CA4968309.
Genomic context (GRCh38, chr9:4,118,387, plus strand): 5'-TAGGCCGGCAGCGCCAGGCCTCCAGGGGCCACCAGCACGCCCTTCTGGCTGCCGGGCACC[G>A]GGCGCGGCTGGGGAATGCAGCTGCCGCGCACGCCCAGGAAATGCCCGTAGACCTCCGGCT-3'
Protein context (NP_001035878.1, residues 354-374): VRGSCIPQPR[Pro364Leu]VPGSQKGVLV